The following is an entry in ClinVar:

NM_000278.5(PAX2):c.819G>C (p.Leu273=)

Gene: PAX2 (paired box 2; plus strand). Cytogenetic location: 10q24.31.
Variant type: single nucleotide variant.
Coding change: c.819G>C on transcript NM_000278.5 (MANE Select); coding-DNA position 819, G replaced by C.
Protein change: p.Leu273=; no amino-acid change (leucine 273 retained).
Molecular consequence: synonymous variant.
Genome position (GRCh38, 1-based): chr10:100,809,136, G>C. VCF-style: chr10-100809136-G-C. GRCh37 (hg19) VCF-style: chr10-102568893-G-C.
Other names: c.912G>C, p.Leu304= (NM_001304569.2); c.888G>C, p.Leu296= (NM_003987.5, NM_003990.5); c.819G>C, p.Leu273= (NM_003988.5, NM_003989.5).
Identifiers: ClinVar variation 772959 (VCV000772959.35), dbSNP rs144433354, ClinGen allele CA5650871.
Genomic context (GRCh38, chr10:100,809,136, plus strand): 5'-AATAGAGAGCTGTCACTTTTCTCTCTCCTCCCAGGGGAACGAGTACTCCCTCCCAGCCCT[G>C]ACCCCTGGGCTTGATGAAGTCAAGTCGAGTCTATCTGCATCCACCAACCCTGAGCTGGGC-3'
Protein context (NP_000269.3, residues 263-283): EQGNEYSLPA[Leu273=]TPGLDEVKSS

ClinVar aggregate classification (germline): Benign/Likely benign. Review status: criteria provided, multiple submitters, no conflicts (2 of 4 stars). 4 submissions from 4 submitters: Benign (2); Likely benign (2). Last evaluated 2025-12-29.

Conditions:
Renal coloboma syndrome (PAPRS). Also called: OPTIC COLOBOMA, VESICOURETERAL REFLUX, AND RENAL ANOMALIES; OPTIC NERVE COLOBOMA WITH RENAL DISEASE; RENAL-COLOBOMA SYNDROME WITH MACULAR ABNORMALITIES; PAPILLORENAL SYNDROME WITH MILD OCULAR ABNORMALITIES; CONGENITAL ANOMALIES OF THE KIDNEY AND URINARY TRACT WITH OR WITHOUT OCULAR ABNORMALITIES; CAKUT WITH OR WITHOUT OCULAR ABNORMALITIES. Identifiers: Orphanet 1475, MedGen C1852759, MONDO:0007352, OMIM 120330.
Focal segmental glomerulosclerosis 7 (FSGS7). Identifiers: Orphanet 656, MedGen C4014925, MONDO:0014451, OMIM 616002.

Allele frequency attached by ClinVar (database versions not stated): gnomAD exomes 0.00006 and 0.00023; ExAC 0.00030; TOPMed 0.00081; gnomAD 0.00087 and 0.00090; 1000 Genomes Project 0.00100; ESP Exome Variant Server 0.00100; 1000 Genomes Project 30x 0.00156.
gnomAD v4.1: 226 of 1,613,388 alleles (0.014%); highest among the groups gnomAD compares: African/African-American, 0.28%; no homozygotes.

Submissions (4):

Labcorp Genetics (formerly Invitae), Labcorp
Classification: Benign for Renal coloboma syndrome; Focal segmental glomerulosclerosis 7. Last evaluated: 2025-12-29. Review status: criteria provided, single submitter. Criteria: Invitae Variant Classification Sherloc (09022015). Collection method: clinical testing. Allele origin: germline.

Blueprint Genetics
Classification: Likely benign. Last evaluated: 2023-09-07. Review status: criteria provided, single submitter. Criteria: ACMG Guidelines, 2015. Collection method: clinical testing. Allele origin: germline.

CeGaT Center for Human Genetics Tuebingen
Classification: Benign. Last evaluated: 2022-07-01. Review status: criteria provided, single submitter. Criteria: CeGaT Center For Human Genetics Tuebingen Variant Classification Criteria Version 2. Collection method: clinical testing. Allele origin: germline. Affected: yes. Observed: 1 variant allele.
Comment: PAX2: BS1, BS2

Fulgent Genetics
Classification: Likely benign for Renal coloboma syndrome; Focal segmental glomerulosclerosis 7. Last evaluated: 2021-08-05. Review status: criteria provided, single submitter. Criteria: ACMG Guidelines, 2015. Collection method: clinical testing. Allele origin: unknown.